The following is an entry in ClinVar:

ClinVar aggregate classification (germline): Uncertain significance (1 of 4 stars; one submission).

Allele frequency attached by ClinVar (database versions not stated): gnomAD exomes below 0.00001; gnomAD 0.00001; TOPMed 0.00001.
gnomAD v4.1: 5 of 1,611,206 alleles (0.00031%); highest among the groups gnomAD compares: Admixed American, 0.0033%; no homozygotes.

Submission:

Labcorp Genetics (formerly Invitae), Labcorp
Classification: Uncertain significance. Last evaluated: 2024-10-15. Review status: criteria provided, single submitter. Criteria: Invitae Variant Classification Sherloc (09022015). Collection method: clinical testing. Allele origin: germline.
Comment: This sequence change affects codon 1225 of the ZNF335 mRNA. It is a 'silent' change, meaning that it does not change the encoded amino acid sequence of the ZNF335 protein. This variant is not present in population databases (gnomAD no frequency). This variant has not been reported in the literature in individuals affected with ZNF335-related conditions. ClinVar contains an entry for this variant (Variation ID: 1926264). Algorithms developed to predict the effect of sequence changes on RNA splicing suggest that this variant may create or strengthen a splice site. In summary, the available evidence is currently insufficient to determine the role of this variant in disease. Therefore, it has been classified as a Variant of Uncertain Significance.

NM_022095.4(ZNF335):c.3675G>A (p.Gln1225=)

Gene: ZNF335 (zinc finger protein 335; minus strand). Cytogenetic location: 20q13.12.
Variant type: single nucleotide variant.
Coding change: c.3675G>A on transcript NM_022095.4 (MANE Select); coding-DNA position 3675, G replaced by A.
Protein change: p.Gln1225=; no amino-acid change (glutamine 1225 retained).
Molecular consequence: synonymous variant.
Genome position (GRCh38, 1-based): chr20:45,949,563, C>T on the plus strand (G>A on the coding strand, the complement: ZNF335 is on the minus strand). VCF-style: chr20-45949563-C-T. GRCh37 (hg19) VCF-style: chr20-44578202-C-T.
Identifiers: ClinVar variation 1926264 (VCV001926264.5), dbSNP rs902538647, ClinGen allele CA315643347.